The following is an entry in ClinVar:

NM_005228.5(EGFR):c.2547G>C (p.Gln849His)

Gene: EGFR (epidermal growth factor receptor; plus strand). Cytogenetic location: 7p11.2.
Variant type: single nucleotide variant.
Coding change: c.2547G>C on transcript NM_005228.5 (MANE Select); coding-DNA position 2547, G replaced by C.
Protein change: p.Gln849His; replaces glutamine 849 with histidine.
Molecular consequence: missense variant.
Genome position (GRCh38, 1-based): chr7:55,191,796, G>C. VCF-style: chr7-55191796-G-C. GRCh37 (hg19) VCF-style: chr7-55259489-G-C.
Other names: c.2412G>C, p.Gln804His (NM_001346897.2, NM_001346899.2); c.2547G>C, p.Gln849His (NM_001346898.2); c.2388G>C, p.Gln796His (NM_001346900.2); c.1746G>C, p.Gln582His (NM_001346941.2); short protein forms Q582H, Q796H, Q849H, Q804H.
Identifiers: ClinVar variation 1349155 (VCV001349155.6), dbSNP rs1433831615, ClinGen allele CA367580217.

ClinVar aggregate classification (germline): Uncertain significance (1 of 4 stars; one submission).

Conditions:
EGFR-related lung cancer (EGFR). Identifiers: MedGen CN130014.

gnomAD v4.1: 2 of 1,614,128 alleles (0.00012%); highest among the groups gnomAD compares: Non-Finnish European, 0.00017%; no homozygotes.

Submission:

Labcorp Genetics (formerly Invitae), Labcorp
Classification: Uncertain significance for EGFR-related lung cancer. Last evaluated: 2024-06-25. Review status: criteria provided, single submitter. Criteria: Invitae Variant Classification Sherloc (09022015). Collection method: clinical testing. Allele origin: germline.
Comment: This sequence change replaces glutamine, which is neutral and polar, with histidine, which is basic and polar, at codon 849 of the EGFR protein (p.Gln849His). This variant is not present in population databases (gnomAD no frequency). This variant has not been reported in the literature in individuals affected with EGFR-related conditions. ClinVar contains an entry for this variant (Variation ID: 1349155). Advanced modeling of protein sequence and biophysical properties (such as structural, functional, and spatial information, amino acid conservation, physicochemical variation, residue mobility, and thermodynamic stability) performed at Invitae indicates that this missense variant is not expected to disrupt EGFR protein function with a negative predictive value of 80%. In summary, the available evidence is currently insufficient to determine the role of this variant in disease. Therefore, it has been classified as a Variant of Uncertain Significance.